The following is an entry in ClinVar:

ClinVar aggregate classification (germline): Uncertain significance (1 of 4 stars; one submission).

Allele frequency attached by ClinVar (database versions not stated): gnomAD exomes below 0.00001.
gnomAD v4.1: 1 of 1,595,700 alleles (0.000063%); highest among the groups gnomAD compares: Non-Finnish European, 0.000085%; no homozygotes.

Submission:

Labcorp Genetics (formerly Invitae), Labcorp
Classification: Uncertain significance. Last evaluated: 2021-05-21. Review status: criteria provided, single submitter. Criteria: Invitae Variant Classification Sherloc (09022015). Collection method: clinical testing. Allele origin: germline.
Comment: In summary, the available evidence is currently insufficient to determine the role of this variant in disease. Therefore, it has been classified as a Variant of Uncertain Significance. Algorithms developed to predict the effect of missense changes on protein structure and function output the following: SIFT: "Tolerated"; PolyPhen-2: "Benign"; Align-GVGD: "Class C0". The valine amino acid residue is found in multiple mammalian species, suggesting that this missense change does not adversely affect protein function. These predictions have not been confirmed by published functional studies and their clinical significance is uncertain. This variant has not been reported in the literature in individuals with TCIRG1-related conditions. This variant is not present in population databases (ExAC no frequency). This sequence change replaces isoleucine with valine at codon 646 of the TCIRG1 protein (p.Ile646Val). The isoleucine residue is weakly conserved and there is a small physicochemical difference between isoleucine and valine.

NM_006019.4(TCIRG1):c.1936A>G (p.Ile646Val)

Gene: TCIRG1 (T cell immune regulator 1, ATPase H+ transporting V0 subunit a3; plus strand). Cytogenetic location: 11q13.2.
Variant type: single nucleotide variant.
Coding change: c.1936A>G on transcript NM_006019.4 (MANE Select); coding-DNA position 1936, A replaced by G.
Protein change: p.Ile646Val; replaces isoleucine 646 with valine.
Molecular consequence: missense variant.
Genome position (GRCh38, 1-based): chr11:68,049,711, A>G. VCF-style: chr11-68049711-A-G. GRCh37 (hg19) VCF-style: chr11-67817178-A-G.
Other names: c.1042A>G, p.Ile348Val (NM_001351059.2); c.1288A>G, p.Ile430Val (NM_006053.4); short protein forms I430V, I646V, I348V.
Identifiers: ClinVar variation 1467362 (VCV001467362.8), dbSNP rs1855695952, ClinGen allele CA381588798.
Genomic context (GRCh38, chr11:68,049,711, plus strand): 5'-TCTCCCTGGCAGGAGGTGGTCCAGGCCACGCTGGTGGTCCTGGCCTTGGCCATGGTGCCC[A>G]TCCTGCTGCTTGGCACACCCCTGCACCTGCTGCACCGCCACCGCCGCCGCCTGCGGAGGA-3'
Protein context (NP_006010.2, residues 636-656): LVVLALAMVP[Ile646Val]LLLGTPLHLL